The following is an entry in ClinVar:

ClinVar aggregate classification (germline): Likely benign (1 of 4 stars; one submission).

gnomAD v4.1: 190 of 1,534,956 alleles (0.012%); highest among the groups gnomAD compares: African/African-American, 0.22%; no homozygotes.

Submission:

CeGaT Center for Human Genetics Tuebingen
Classification: Likely benign. Last evaluated: 2026-07-01. Review status: criteria provided, single submitter. Criteria: CeGaT Center For Human Genetics Tuebingen Variant Classification Criteria Version 2. Collection method: clinical testing. Allele origin: germline. Affected: yes. Observed: 1 variant allele.
Comment: MUC12: BP4, BP7

NM_001164462.2(MUC12):c.4797C>T (p.Gly1599=)

Gene: MUC12 (mucin 12, cell surface associated; plus strand). Cytogenetic location: 7q22.1.
Variant type: single nucleotide variant.
Coding change: c.4797C>T on transcript NM_001164462.2 (MANE Select); coding-DNA position 4797, C replaced by T.
Protein change: p.Gly1599=; no amino-acid change (glycine 1599 retained).
Molecular consequence: synonymous variant.
Genome position (GRCh38, 1-based): chr7:100,995,360, C>T. VCF-style: chr7-100995360-C-T. GRCh37 (hg19) VCF-style: chr7-100638641-C-T.
Identifiers: ClinVar variation 5039042 (VCV005039042.1).